The following is an entry in ClinVar:

ClinVar aggregate classification (germline): Uncertain significance. Review status: criteria provided, multiple submitters, no conflicts (2 of 4 stars). 2 submissions from 2 submitters: Uncertain significance (2). Last evaluated 2024-07-20.

Conditions:
Arrhythmogenic cardiomyopathy with wooly hair and keratoderma. Also called: Carvajal syndrome; Dilated cardiomyopathy with woolly hair and keratoderma; Arrhythmogenic cardiomyopathy with woolly hair and keratoderma; PALMOPLANTAR KERATODERMA WITH LEFT VENTRICULAR CARDIOMYOPATHY AND WOOLLY HAIR. Identifiers: Orphanet 65282, MedGen C1854063, MONDO:0011581, OMIM 605676.
Arrhythmogenic right ventricular dysplasia 8 (ARVD8). Also called: Arrhythmogenic Right Ventricular Dysplasia/Cardiomyopathy 8; ARRHYTHMOGENIC RIGHT VENTRICULAR DYSPLASIA, FAMILIAL, 8; ARRHYTHMOGENIC RIGHT VENTRICULAR CARDIOMYOPATHY 8. Identifiers: MedGen C1843896, MONDO:0011831, OMIM 607450.

Submissions (2):

All of Us Research Program, National Institutes of Health
Classification: Uncertain significance for Arrhythmogenic cardiomyopathy with wooly hair and keratoderma. Last evaluated: 2024-07-20. Review status: criteria provided, single submitter. Criteria: ACMG Guidelines, 2015. Collection method: clinical testing. Allele origin: germline. Inheritance: Autosomal dominant inheritance. Observed: 1 variant allele, 1 heterozygote.
Comment: This missense variant replaces phenylalanine with leucine at codon 876 of the DSP protein. Computational prediction suggests that this variant may not impact protein structure and function (internally defined REVEL score threshold <= 0.5, PMID: 27666373). To our knowledge, functional studies have not been reported for this variant. This variant has not been reported in individuals affected with DSP-related disorders in the literature. This variant has not been identified in the general population by the Genome Aggregation Database (gnomAD). The available evidence is insufficient to determine the role of this variant in disease conclusively. Therefore, this variant is classified as a Variant of Uncertain Significance.

This study involves interpretation of variants in research participants for the purpose of population health screening. Participant phenotype was not available at the time of variant classification. Additional details can be found in publication PMID: 35346344, PMCID: PMC8962531

Labcorp Genetics (formerly Invitae), Labcorp
Classification: Uncertain significance for Arrhythmogenic cardiomyopathy with wooly hair and keratoderma; Arrhythmogenic right ventricular dysplasia 8. Last evaluated: 2022-05-18. Review status: criteria provided, single submitter. Criteria: Invitae Variant Classification Sherloc (09022015). Collection method: clinical testing. Allele origin: germline.
Comment: In summary, the available evidence is currently insufficient to determine the role of this variant in disease. Therefore, it has been classified as a Variant of Uncertain Significance. This sequence change replaces phenylalanine, which is neutral and non-polar, with leucine, which is neutral and non-polar, at codon 876 of the DSP protein (p.Phe876Leu). This variant is not present in population databases (gnomAD no frequency). This variant has not been reported in the literature in individuals affected with DSP-related conditions. Algorithms developed to predict the effect of missense changes on protein structure and function (SIFT, PolyPhen-2, Align-GVGD) all suggest that this variant is likely to be tolerated.

NM_004415.4(DSP):c.2628T>G (p.Phe876Leu)

Gene: DSP (desmoplakin; plus strand). Cytogenetic location: 6p24.3.
Variant type: single nucleotide variant.
Coding change: c.2628T>G on transcript NM_004415.4 (MANE Select); coding-DNA position 2628, T replaced by G.
Protein change: p.Phe876Leu; replaces phenylalanine 876 with leucine.
Molecular consequence: missense variant.
Genome position (GRCh38, 1-based): chr6:7,575,486, T>G. VCF-style: chr6-7575486-T-G. GRCh37 (hg19) VCF-style: chr6-7575719-T-G.
Other names: c.2628T>G, p.Phe876Leu (NM_001008844.3, NM_001319034.2); short protein forms F876L.
Identifiers: ClinVar variation 1996157 (VCV001996157.5), dbSNP rs1759212674, ClinGen allele CA362681760.